The following is an entry in ClinVar:

NM_014795.4(ZEB2):c.-38C>G

Gene: ZEB2 (zinc finger E-box binding homeobox 2; minus strand). Cytogenetic location: 2q22.3.
Variant type: single nucleotide variant.
Coding change: c.-38C>G on transcript NM_014795.4 (MANE Select); 38 bases upstream of the start codon, C replaced by G.
Molecular consequence: 5 prime UTR variant. On other transcripts: non-coding transcript variant (1).
Genome position (GRCh38, 1-based): chr2:144,517,388, G>C on the plus strand (C>G on the coding strand, the complement: ZEB2 is on the minus strand). VCF-style: chr2-144517388-G-C. GRCh37 (hg19) VCF-style: chr2-145274955-G-C.
Other names: c.-38C>G (NM_001171653.2).
Identifiers: ClinVar variation 181720 (VCV000181720.1), dbSNP rs730881182, ClinGen allele CA297576.

ClinVar aggregate classification (germline): Likely benign (1 of 4 stars; one submission).

Allele frequency attached by ClinVar (database versions not stated): ExAC 0.00001; gnomAD exomes 0.00002 and 0.00003; gnomAD 0.00003; TOPMed 0.00004; 1000 Genomes Project 30x 0.00016.
gnomAD v4.1: 27 of 1,610,934 alleles (0.0017%); highest among the groups gnomAD compares: South Asian, 0.0066%; no homozygotes.

Submission:

GeneDx
Classification: Likely benign. Last evaluated: 2012-11-15. Review status: criteria provided, single submitter. Criteria: GeneDx Variant Classification (06012015). Collection method: clinical testing. Allele origin: germline. Affected: yes.
Comment: This variant is considered likely benign or benign based on one or more of the following criteria: it is a conservative change, it occurs at a poorly conserved position in the protein, it is predicted to be benign by multiple in silico algorithms, and/or has population frequency not consistent with disease.